The following is an entry in ClinVar:

NM_024675.4(PALB2):c.3488A>T (p.Lys1163Ile)

Gene: PALB2 (partner and localizer of BRCA2; minus strand). Cytogenetic location: 16p12.2.
Variant type: single nucleotide variant.
Coding change: c.3488A>T on transcript NM_024675.4 (MANE Select); coding-DNA position 3488, A replaced by T.
Protein change: p.Lys1163Ile; replaces lysine 1163 with isoleucine.
Molecular consequence: missense variant.
Genome position (GRCh38, 1-based): chr16:23,603,532, T>A on the plus strand (A>T on the coding strand, the complement: PALB2 is on the minus strand). VCF-style: chr16-23603532-T-A. GRCh37 (hg19) VCF-style: chr16-23614853-T-A.
Other names: short protein forms K1163I.
Identifiers: ClinVar variation 230169 (VCV000230169.6), dbSNP rs876658426, ClinGen allele CA10579911.

ClinVar aggregate classification (germline): Uncertain significance (1 of 4 stars; one submission).

Conditions:
Hereditary cancer-predisposing syndrome. Also called: Hereditary neoplastic syndrome; Hereditary Cancer Syndrome; Neoplastic Syndromes, Hereditary; Tumor predisposition. Identifiers: Orphanet 140162, MedGen C0027672, MeSH D009386, MONDO:0015356.

Allele frequency attached by ClinVar (database versions not stated): TOPMed below 0.00001.

Submission:

Ambry Genetics
Classification: Uncertain significance for Hereditary cancer-predisposing syndrome. Last evaluated: 2023-06-06. Review status: criteria provided, single submitter. Criteria: Ambry Variant Classification Scheme 2023. Collection method: clinical testing. Allele origin: germline.
Comment: The p.K1163I variant (also known as c.3488A>T), located in coding exon 13 of the PALB2 gene, results from an A to T substitution at nucleotide position 3488. The lysine at codon 1163 is replaced by isoleucine, an amino acid with dissimilar properties. This amino acid position is highly conserved in available vertebrate species. In addition, the in silico prediction for this alteration is inconclusive. Since supporting evidence is limited at this time, the clinical significance of this alteration remains unclear.